The following is an entry in ClinVar:

NM_004369.4(COL6A3):c.4508T>C (p.Ile1503Thr)

Gene: COL6A3 (collagen type VI alpha 3 chain; minus strand). Cytogenetic location: 2q37.3.
Variant type: single nucleotide variant.
Coding change: c.4508T>C on transcript NM_004369.4 (MANE Select); coding-DNA position 4508, T replaced by C.
Protein change: p.Ile1503Thr; replaces isoleucine 1503 with threonine.
Molecular consequence: missense variant.
Genome position (GRCh38, 1-based): chr2:237,368,955, A>G on the plus strand (T>C on the coding strand, the complement: COL6A3 is on the minus strand). VCF-style: chr2-237368955-A-G. GRCh37 (hg19) VCF-style: chr2-238277598-A-G.
Other names: c.2687T>C, p.Ile896Thr (NM_057166.5); c.3890T>C, p.Ile1297Thr (NM_057167.4); short protein forms I896T, I1297T, I1503T.
Identifiers: ClinVar variation 4708861 (VCV004708861.1).

ClinVar aggregate classification (germline): Uncertain significance (1 of 4 stars; one submission).

Conditions:
Bethlem myopathy 1A. Also called: MYOPATHY, BENIGN CONGENITAL, WITH CONTRACTURES; Bethlem myopathy 1; Bethlem Muscular Dystrophy. Identifiers: Orphanet 610, MedGen CN029274, MONDO:0024530, OMIM 158810.

gnomAD v4.1: 3 of 1,614,076 alleles (0.00019%); highest among the groups gnomAD compares: Non-Finnish European, 0.00025%; no homozygotes.

Submission:

Labcorp Genetics (formerly Invitae), Labcorp
Classification: Uncertain significance for Bethlem myopathy 1A. Last evaluated: 2025-12-21. Review status: criteria provided, single submitter. Criteria: Invitae Variant Classification Sherloc (09022015). Collection method: clinical testing. Allele origin: germline.
Comment: This sequence change replaces isoleucine, which is neutral and non-polar, with threonine, which is neutral and polar, at codon 1503 of the COL6A3 protein (p.Ile1503Thr). This variant is not present in population databases (gnomAD no frequency). This variant has not been reported in the literature in individuals affected with COL6A3-related conditions. Invitae Evidence Modeling of protein sequence and biophysical properties (such as structural, functional, and spatial information, amino acid conservation, physicochemical variation, residue mobility, and thermodynamic stability) has been performed for this missense variant. However, the output from this modeling did not meet the statistical confidence thresholds required to predict the impact of this variant on COL6A3 protein function. In summary, the available evidence is currently insufficient to determine the role of this variant in disease. Therefore, it has been classified as a Variant of Uncertain Significance.